The following is an entry in ClinVar:

NM_015404.4(WHRN):c.2514_2515delinsTT (p.Gln838_Pro839delinsHisSer)

Gene: WHRN (whirlin; minus strand). Cytogenetic location: 9q32.
Variant type: Indel.
Coding change: c.2514_2515delinsTT on transcript NM_015404.4 (MANE Select); coding-DNA positions 2514 to 2515, GC replaced by TT.
Protein change: p.Gln838_Pro839delinsHisSer.
Molecular consequence: missense variant.
Genome position (GRCh38, 1-based): chr9:114,403,243-114,403,244, GC replaced by AA on the plus strand (GC replaced by TT on the coding strand, the reverse complement: WHRN is on the minus strand). VCF-style: chr9-114403243-GC-AA. GRCh37 (hg19) VCF-style: chr9-117165523-GC-AA.
Other names: c.1365_1366delinsTT, p.Gln455_Pro456delinsHisSer (NM_001083885.3); c.2511_2512delinsTT, p.Gln837_Pro838delinsHisSer (NM_001173425.2); c.1461_1462delinsTT, p.Gln487_Pro488delinsHisSer (NM_001346890.1).
Identifiers: ClinVar variation 1525728 (VCV001525728.5), dbSNP rs2132185121, ClinGen allele CA2573143841.
Genomic context (GRCh38, chr9:114,403,243, plus strand): 5'-GGAGAGATGGCAAGTGGGGCCCCTGGGGACATACCTGAATAGTGACAATCCTAGGCAGGG[GC>AA]TGGCGGGTGTTGGCGCCACCCTCGATGGCGATGCCCAGGGTGGCCGCACTTTTCTTCACA-3'

ClinVar aggregate classification (germline): Uncertain significance (1 of 4 stars; one submission).

Submission:

Labcorp Genetics (formerly Invitae), Labcorp
Classification: Uncertain significance. Last evaluated: 2024-10-16. Review status: criteria provided, single submitter. Criteria: Invitae Variant Classification Sherloc (09022015). Collection method: clinical testing. Allele origin: germline.
Comment: This variant, c.2514_2515delinsTT, is a complex sequence change that results in the deletion of 2 and insertion of 2 amino acid(s) in the WHRN protein (p.Gln838_Pro839delinsHisSer). Information on the frequency of this variant in the gnomAD database is not available, as this variant may be reported differently in the database. This variant has not been reported in the literature in individuals affected with WHRN-related conditions. ClinVar contains an entry for this variant (Variation ID: 1525728). Experimental studies and prediction algorithms are not available or were not evaluated, and the functional significance of this variant is currently unknown. In summary, the available evidence is currently insufficient to determine the role of this variant in disease. Therefore, it has been classified as a Variant of Uncertain Significance.